The following is an entry in ClinVar:

NM_005548.3(KARS1):c.1344T>C (p.Val448=)

Genes: KARS1 (lysyl-tRNA synthetase 1; minus strand), LOC126862402 (CDK7 strongly-dependent group 2 enhancer GRCh37_chr16:75663368-75664567; plus strand). Cytogenetic location: 16q23.1.
Variant type: single nucleotide variant.
Coding change: c.1344T>C on transcript NM_005548.3 (MANE Select); coding-DNA position 1344, T replaced by C.
Protein change: p.Val448=; no amino-acid change (valine 448 retained).
Molecular consequence: synonymous variant.
Genome position (GRCh38, 1-based): chr16:75,630,503, A>G on the plus strand (T>C on the coding strand, the complement: KARS1 is on the minus strand). VCF-style: chr16-75630503-A-G. GRCh37 (hg19) VCF-style: chr16-75664401-A-G.
Other names: c.1428T>C, p.Val476= (NM_001130089.2); c.876T>C, p.Val292= (NM_001378148.1).
Identifiers: ClinVar variation 4875200 (VCV004875200.2).
Genomic context (GRCh38, chr16:75,630,503, plus strand): 5'-TATCTGTGGGTGATCACAGATGAATGTAGGATTGATGCAAGTCACTTCCAGGAACTCCCC[A>G]ACAAGCTTAATGAGAAAGCAAAGCAGAGTCAGTCACCATTTCTGAATAGTATTTGATCGT-3'
Protein context (NP_005539.1, residues 438-458): RTTARLLDKL[Val448=]GEFLEVTCIN

ClinVar aggregate classification (germline): Likely benign (1 of 4 stars; one submission).

gnomAD v4.1: 1 of 1,605,098 alleles (0.000062%); highest among the groups gnomAD compares: Admixed American, 0.0017%; no homozygotes.

Submission:

CeGaT Center for Human Genetics Tuebingen
Classification: Likely benign. Last evaluated: 2026-07-01. Review status: criteria provided, single submitter. Criteria: CeGaT Center For Human Genetics Tuebingen Variant Classification Criteria Version 2. Collection method: clinical testing. Allele origin: germline. Affected: yes. Observed: 1 variant allele.
Comment: KARS1: BP4, BP7